The following is an entry in ClinVar:

ClinVar aggregate classification (germline): Uncertain significance. Review status: criteria provided, multiple submitters, no conflicts (2 of 4 stars). 3 submissions from 3 submitters: Uncertain significance (3). Last evaluated 2023-06-27.

Conditions:
Inborn genetic diseases. Identifiers: MedGen C0950123, MeSH D030342.
Pseudohypoaldosteronism type 2C (PHA2C). Also called: Pseudohypoaldosteronism Type IIC. Identifiers: Orphanet 757, Orphanet 88940, MedGen C1840391, MONDO:0013778, OMIM 614492.
Neuropathy, hereditary sensory and autonomic, type 2A (HSAN2A). Also called: MORVAN DISEASE; NEUROPATHY, CONGENITAL SENSORY; NEUROPATHY, HEREDITARY SENSORY RADICULAR, AUTOSOMAL RECESSIVE; NEUROPATHY, HEREDITARY SENSORY, TYPE IIA; NEUROPATHY, PROGRESSIVE SENSORY, OF CHILDREN; WNK1-Related HSAN2 (HSAN2A). Identifiers: Orphanet 970, MedGen C2752089, MONDO:0024309, OMIM 201300.

Allele frequency attached by ClinVar (database versions not stated): TOPMed below 0.00001.

Submissions (3):

Labcorp Genetics (formerly Invitae), Labcorp
Classification: Uncertain significance for Neuropathy, hereditary sensory and autonomic, type 2A; Pseudohypoaldosteronism type 2C. Last evaluated: 2023-06-27. Review status: criteria provided, single submitter. Criteria: Invitae Variant Classification Sherloc (09022015). Collection method: clinical testing. Allele origin: germline.
Comment: ClinVar contains an entry for this variant (Variation ID: 834893). This variant has not been reported in the literature in individuals affected with WNK1-related conditions. This variant is not present in population databases (gnomAD no frequency). This sequence change replaces threonine, which is neutral and polar, with asparagine, which is neutral and polar, at codon 155 of the WNK1 protein (p.Thr155Asn). Advanced modeling of protein sequence and biophysical properties (such as structural, functional, and spatial information, amino acid conservation, physicochemical variation, residue mobility, and thermodynamic stability) performed at Invitae indicates that this missense variant is not expected to disrupt WNK1 protein function. In summary, the available evidence is currently insufficient to determine the role of this variant in disease. Therefore, it has been classified as a Variant of Uncertain Significance.

Ambry Genetics
Classification: Uncertain significance for Inborn genetic diseases. Last evaluated: 2023-04-19. Review status: criteria provided, single submitter. Criteria: Ambry Variant Classification Scheme 2023. Collection method: clinical testing. Allele origin: germline.

Fulgent Genetics
Classification: Uncertain significance for Neuropathy, hereditary sensory and autonomic, type 2A; Pseudohypoaldosteronism type 2C. Last evaluated: 2022-03-24. Review status: criteria provided, single submitter. Criteria: ACMG Guidelines, 2015. Collection method: clinical testing. Allele origin: unknown.

NM_018979.4(WNK1):c.464C>A (p.Thr155Asn)

Gene: WNK1 (WNK lysine deficient protein kinase 1; plus strand). Cytogenetic location: 12p13.33.
Variant type: single nucleotide variant.
Coding change: c.464C>A on transcript NM_018979.4 (MANE Select); coding-DNA position 464, C replaced by A.
Protein change: p.Thr155Asn; replaces threonine 155 with asparagine.
Molecular consequence: missense variant.
Genome position (GRCh38, 1-based): chr12:754,029, C>A. VCF-style: chr12-754029-C-A. GRCh37 (hg19) VCF-style: chr12-863195-C-A.
Other names: c.464C>A, p.Thr155Asn (NM_001184985.2, NM_014823.3, NM_213655.5); short protein forms T155N.
Identifiers: ClinVar variation 834893 (VCV000834893.12), dbSNP rs940919645, ClinGen allele CA231464202.